The following is an entry in ClinVar:

NM_000277.3(PAH):c.722_735delinsCCTCCGACCTGTA (p.Arg241fs)

Gene: PAH (phenylalanine hydroxylase; minus strand). Cytogenetic location: 12q23.2.
Variant type: Indel.
Coding change: c.722_735delinsCCTCCGACCTGTA on transcript NM_000277.3 (MANE Select); coding-DNA positions 722 to 735, GCCTCCGACCTGTG replaced by CCTCCGACCTGTA.
Protein change: p.Arg241fs; shifts the reading frame from arginine 241.
Molecular consequence: frameshift variant.
Genome position (GRCh38, 1-based): chr12:102,852,922-102,852,935, CACAGGTCGGAGGC replaced by TACAGGTCGGAGG on the plus strand (GCCTCCGACCTGTG replaced by CCTCCGACCTGTA on the coding strand, the reverse complement: PAH is on the minus strand). VCF-style: chr12-102852922-CACAGGTCGGAGGC-TACAGGTCGGAGG. GRCh37 (hg19) VCF-style: chr12-103246700-CACAGGTCGGAGGC-TACAGGTCGGAGG.
Other names: c.722_735delinsCCTCCGACCTGTA, p.Arg241fs (NM_001354304.2); short protein forms R241fs.
Identifiers: ClinVar variation 1698575 (VCV001698575.1), dbSNP rs2136646367, ClinGen allele CA2580085703.

ClinVar aggregate classification (germline): Pathogenic (1 of 4 stars; one submission).

Conditions:
Phenylketonuria (PKU). Also called: Phenylketonurias; FOLLING DISEASE; Phenylketonuria (PKU); OLIGOPHRENIA PHENYLPYRUVICA. Identifiers: Orphanet 716, MedGen C0031485, MONDO:0009861, OMIM 261600. Disease mechanism: loss of function.

Submission:

Women's Health and Genetics/Laboratory Corporation of America, LabCorp
Classification: Pathogenic for Phenylketonuria. Last evaluated: 2022-06-16. Review status: criteria provided, single submitter. Criteria: LabCorp Variant Classification Summary - May 2015. Collection method: clinical testing. Allele origin: germline.
Comment: Variant summary: PAH c.722_735delinsCCTCCGACCTGTA (p.Arg241ProfsX5) results in a premature termination codon, predicted to cause a truncation of the encoded protein or absence of the protein due to nonsense mediated decay, which are commonly known mechanisms for disease. Truncations downstream of this position have been classified as pathogenic by our laboratory. The variant was absent in 276750 control chromosomes (gnomAD). The variant, described as c.[722delG;735G>A] or as a similar protein level change, has been reported in the literature in multiple Chinese individuals affected with Phenylalanine Hydroxylase Deficiency (Phenylketonuria) (Song_2005, Zhu_2013). These data indicate that the variant is very likely to be associated with disease. To our knowledge, no experimental evidence demonstrating an impact on protein function has been reported. No clinical diagnostic laboratories have submitted clinical-significance assessments for this variant to ClinVar after 2014. Based on the evidence outlined above, the variant was classified as pathogenic.

Literature cited by the submitters: PubMed 16256386; PubMed 23932990.